The following is an entry in ClinVar:

NM_181703.4(GJA5):c.695del (p.Lys232fs)

Genes: GJA5 (gap junction protein alpha 5; minus strand), LOC122128420 (Sharpr-MPRA regulatory region 3144; plus strand). Cytogenetic location: 1q21.2.
Variant type: Deletion.
Coding change: c.695del on transcript NM_181703.4 (MANE Select); coding-DNA position 695, one base deleted (A; older notation c.695delA).
Protein change: p.Lys232fs; shifts the reading frame from lysine 232.
Molecular consequence: frameshift variant.
Genome position (GRCh38, 1-based): chr1:147,758,544, T deleted on the plus strand (A on the coding strand, the reverse complement: GJA5 is on the minus strand); the first of 2 consecutive T bases (chr1:147,758,544-147,758,545); deleting either gives the same sequence. VCF-style (leftmost placement, unchanged base first): chr1-147758543-CT-C. GRCh37 (hg19) VCF-style: chr1-147230651-CT-C.
Other names: c.695del, p.Lys232fs (NM_005266.7); short protein forms K232fs.
Identifiers: ClinVar variation 2942494 (VCV002942494.3), dbSNP rs2524609501, ClinGen allele CA2740090250.
Genomic context (GRCh38, chr1:147,758,543, plus strand): 5'-GCCAGAAAGCTGGCACTTAGCCATGTGCTGCCGCGGTTTGACAAATCGCTGTCTGATCTT[CT>C]TCCAGCCCAGGTGGTAGAGTTCAGCCAGGCTAAGGAGGAGGGACAGTGCAGCCACAGCCA-3'

ClinVar aggregate classification (germline): Uncertain significance (1 of 4 stars; one submission).

Conditions:
Atrial fibrillation, familial, 11 (ATFB11). Identifiers: MedGen C3279693, MONDO:0013544, OMIM 614049.
Atrial standstill 1 (ATRST1). Also called: Atrial standstill, digenic (GJA5/SCN5A); ATRIAL CARDIOMYOPATHY WITH HEART BLOCK; CARDIOMYOPATHY, FAMILIAL, WITH CONDUCTION DISTURBANCE. Identifiers: Orphanet 1344, MedGen C4551959, MONDO:0007171, OMIM 108770.

Submission:

Labcorp Genetics (formerly Invitae), Labcorp
Classification: Uncertain significance for Atrial fibrillation, familial, 11; Atrial standstill 1. Last evaluated: 2022-12-20. Review status: criteria provided, single submitter. Criteria: Invitae Variant Classification Sherloc (09022015). Collection method: clinical testing. Allele origin: germline.
Comment: This variant is not present in population databases (gnomAD no frequency). In summary, the available evidence is currently insufficient to determine the role of this variant in disease. Therefore, it has been classified as a Variant of Uncertain Significance. Experimental studies and prediction algorithms are not available or were not evaluated, and the functional significance of this variant is currently unknown. This variant has not been reported in the literature in individuals affected with GJA5-related conditions. This sequence change creates a premature translational stop signal (p.Lys232Argfs*26) in the GJA5 gene. While this is not anticipated to result in nonsense mediated decay, it is expected to disrupt the last 127 amino acid(s) of the GJA5 protein.